The following is an entry in ClinVar:

NM_032578.4(MYPN):c.52G>T (p.Glu18Ter)

Gene: MYPN (myopalladin; plus strand). Cytogenetic location: 10q21.3.
Variant type: single nucleotide variant.
Coding change: c.52G>T on transcript NM_032578.4 (MANE Select); coding-DNA position 52, G replaced by T.
Protein change: p.Glu18Ter; replaces glutamic acid 18 with a stop codon.
Molecular consequence: nonsense. On other transcripts: 5 prime UTR variant (1), non-coding transcript variant (1).
Genome position (GRCh38, 1-based): chr10:68,121,490, G>T. VCF-style: chr10-68121490-G-T. GRCh37 (hg19) VCF-style: chr10-69881247-G-T.
Other names: c.52G>T, p.Glu18Ter (NM_001256267.2); c.-1071G>T (NM_001256268.2); short protein forms E18*.
Identifiers: ClinVar variation 4292165 (VCV004292165.1).
Genomic context (GRCh38, chr10:68,121,490, plus strand): 5'-TGTGACAGCATGCAAGACGACAGCATAGAAGCTTCTACTTCCATATCTCAGCTTCTAAGA[G>T]AGAGCTATTTAGCTGAAACCAGACATCGGGGAAACAATGAGAGGAGTCGAGCGGAGCCCT-3'

ClinVar aggregate classification (germline): Likely pathogenic (1 of 4 stars; one submission).

Conditions:
MYPN-related disorder. Also called: MYPN-related condition.

Submission:

3billion
Classification: Likely pathogenic for MYPN-related disorder. Last evaluated: 2024-09-29. Review status: criteria provided, single submitter. Criteria: ACMG Guidelines, 2015. Collection method: clinical testing. Allele origin: germline. Affected: yes.
Comment: The variant is not observed in the gnomAD v4.1.0 dataset. Predicted Consequence/Location: Stop-gained (nonsense): predicted to result in a loss or disruption of normal protein function through nonsense-mediated decay (NMD) or protein truncation. Multiple pathogenic variants are reported downstream of the variant. The variant has been reported to be associated with MYPN related disorder (3billion dataset). Therefore, this variant is classified as Likely pathogenic according to the recommendation of ACMG/AMP guideline.